The following is an entry in ClinVar:

ClinVar aggregate classification (germline): Uncertain significance. Review status: criteria provided, multiple submitters, no conflicts (2 of 4 stars). 2 submissions from 2 submitters: Uncertain significance (2). Last evaluated 2024-07-02.

Conditions:
Early-onset Parkinson disease 20. Also called: PARKINSON DISEASE 20, AUTOSOMAL RECESSIVE EARLY-ONSET. Identifiers: Orphanet 391411, MedGen C3809824, MONDO:0014233, OMIM 615530.
Developmental and epileptic encephalopathy, 53. Also called: Epileptic encephalopathy, early infantile, 53. Identifiers: MedGen C4479313, MONDO:0033362, OMIM 617389.

Submissions (2):

Mayo Clinic Laboratories, Mayo Clinic
Classification: Uncertain significance. Last evaluated: 2024-07-02. Review status: criteria provided, single submitter. Criteria: ACMG Guidelines, 2015. Collection method: clinical testing. Allele origin: germline. Observed: 1 variant allele.

Labcorp Genetics (formerly Invitae), Labcorp
Classification: Uncertain significance for Developmental and epileptic encephalopathy, 53; Early-onset Parkinson disease 20. Last evaluated: 2022-11-01. Review status: criteria provided, single submitter. Criteria: Invitae Variant Classification Sherloc (09022015). Collection method: clinical testing. Allele origin: germline.
Comment: This variant, c.51_62del, results in the deletion of 4 amino acid(s) of the SYNJ1 protein (p.Gly19_Gly22del), but otherwise preserves the integrity of the reading frame. This variant is present in population databases (no rsID available, gnomAD 0.01%). This variant has not been reported in the literature in individuals affected with SYNJ1-related conditions. ClinVar contains an entry for this variant (Variation ID: 544571). Experimental studies and prediction algorithms are not available or were not evaluated, and the functional significance of this variant is currently unknown. In summary, the available evidence is currently insufficient to determine the role of this variant in disease. Therefore, it has been classified as a Variant of Uncertain Significance.

NM_203446.3(SYNJ1):c.-67_-56del

Gene: SYNJ1 (synaptojanin 1; minus strand). Cytogenetic location: 21q22.11.
Variant type: Deletion.
Coding change: c.-67_-56del on transcript NM_203446.3 (MANE Select); 67 bases upstream of the start codon through 56 bases upstream of the start codon, 12 bases deleted (TGGCGGCGGCTG).
Molecular consequence: 5 prime UTR variant. On other transcripts: inframe indel (1), inframe deletion (1).
Genome position (GRCh38, 1-based): chr21:32,727,979-32,727,990, CAGCCGCCGCCA deleted on the plus strand (TGGCGGCGGCTG on the coding strand, the reverse complement: SYNJ1 is on the minus strand); deleting any 12 consecutive bases within chr21:32,727,979-32,727,999 gives the same sequence; the c. name uses the placement nearest the transcript's 3' end. VCF-style (leftmost placement, unchanged base first): chr21-32727978-GCAGCCGCCGCCA-G. GRCh37 (hg19) VCF-style: chr21-34100289-GCAGCCGCCGCCA-G.
Other names: p.Gly19_Gly22del; c.42_53delCGGCGGCTGTGG, p.Gly19_Gly22del (NM_003895.4); c.51_62delTGGCGGCGGCTG (NM_003895.3).
Identifiers: ClinVar variation 544571 (VCV000544571.5), dbSNP rs1035093736, ClinGen allele CA319437559.